The following is an entry in ClinVar:

NM_001370658.1(BTD):c.-18del

Gene: BTD (biotinidase; plus strand). Cytogenetic location: 3p25.1.
Variant type: Deletion.
Coding change: c.-18del on transcript NM_001370658.1 (MANE Select); 18 bases upstream of the start codon, one base deleted (A; older notation c.-18delA).
Molecular consequence: 5 prime UTR variant. On other transcripts: frameshift variant (1), non-coding transcript variant (1), intron variant (4).
Genome position (GRCh38, 1-based): chr3:15,601,893, A deleted. VCF-style (leftmost placement, unchanged base first): chr3-15601892-CA-C. GRCh37 (hg19) VCF-style: chr3-15643399-CA-C.
Other names: c.43delA, p.Arg15Aspfs (NM_000060.4); c.-206del (NM_001281724.3); c.-18del (NM_001281726.3, NM_001370752.1, NM_001370753.1 and 3 more transcripts); c.-294del (NM_001323582.2, NM_001407384.1); c.-583del (NM_001407366.1); c.-569del (NM_001407369.1); c.-175del (NM_001407372.1); c.-137del (NM_001407373.1); and 7 more.
Identifiers: ClinVar variation 641018 (VCV000641018.2), dbSNP rs2064260290, ClinGen allele CA916084080.
Genomic context (GRCh38, chr3:15,601,892, plus strand): 5'-TCGGGGCTGTAAAGGGAGAATGGCGCATGCGCATATTCAGGGCGGAAGGCGCGCTAAGAG[CA>C]GGTACGGAGGGGGCGTGGTGCGGCGCGGAGGGGGTGTGGTAAGGGCGTGCGGTCCAGACC-3'

ClinVar aggregate classification (germline): Pathogenic (1 of 4 stars; one submission).

Conditions:
Biotinidase deficiency. Also called: BTD deficiency; Late-onset biotin-responsive multiple carboxylase deficiency; Biotin deficiency. Identifiers: Orphanet 79241, MedGen C0220754, MONDO:0009665, OMIM 253260.

Submission:

Labcorp Genetics (formerly Invitae), Labcorp
Classification: Pathogenic for Biotinidase deficiency. Last evaluated: 2018-12-10. Review status: criteria provided, single submitter. Criteria: Invitae Variant Classification Sherloc (09022015). Collection method: clinical testing. Allele origin: germline.
Comment: This sequence change creates a premature translational stop signal (p.Arg15Aspfs*55) in the BTD gene. It is expected to result in an absent or disrupted protein product. This variant is not present in population databases (ExAC no frequency). This variant has not been reported in the literature in individuals with BTD-related conditions. Loss-of-function variants in BTD are known to be pathogenic (PMID: 20083419). For these reasons, this variant has been classified as Pathogenic.